The following is an entry in ClinVar:

ClinVar aggregate classification (germline): Likely benign (1 of 4 stars; one submission).

Submission:

Molecular Diagnostic Laboratory for Inherited Cardiovascular Disease, Montreal Heart Institute
Classification: Likely benign. Last evaluated: 2025-04-09. Review status: criteria provided, single submitter. Criteria: ACMG Guidelines, 2015. Collection method: clinical testing. Allele origin: germline. Affected: no.
Comment: BP7

NM_001148.6(ANK2):c.5892A>G (p.Ser1964=)

Genes: ANK2 (ankyrin 2; plus strand), LOC126807136 (MED14-independent group 3 enhancer GRCh37_chr4:114274931-114276130; plus strand). Cytogenetic location: 4q26.
Variant type: single nucleotide variant.
Coding change: c.5892A>G on transcript NM_001148.6 (MANE Select); coding-DNA position 5892, A replaced by G.
Protein change: p.Ser1964=; no amino-acid change (serine 1964 retained).
Molecular consequence: synonymous variant. On other transcripts: intron variant (68).
Genome position (GRCh38, 1-based): chr4:113,354,510, A>G. VCF-style: chr4-113354510-A-G. GRCh37 (hg19) VCF-style: chr4-114275666-A-G.
Other names: c.5658A>G, p.Ser1886= (NM_001386142.1); c.2292A>G, p.Ser764= (NM_001386166.1); c.6033A>G, p.Ser2011= (NM_001386174.1); c.6009A>G, p.Ser2003= (NM_001386175.1); c.4411+4261A>G (NM_001386186.2, NM_001386148.2); c.4213+4261A>G (NM_001354269.3); c.4291+4261A>G (NM_001386187.2); c.4252+4261A>G (NM_001386147.1); and 35 more.
Identifiers: ClinVar variation 3895322 (VCV003895322.1).